The following is an entry in ClinVar:

ClinVar aggregate classification (germline): Uncertain significance. Review status: criteria provided, multiple submitters, no conflicts (2 of 4 stars). 3 submissions from 3 submitters: Uncertain significance (3). Last evaluated 2025-05-27.

Conditions:
Hereditary cancer-predisposing syndrome. Also called: Hereditary Cancer Syndrome; Tumor predisposition; Neoplastic Syndromes, Hereditary; Hereditary neoplastic syndrome. Identifiers: Orphanet 140162, MedGen C0027672, MeSH D009386, MONDO:0015356.

Submissions (3):

Ambry Genetics
Classification: Uncertain significance for Hereditary cancer-predisposing syndrome. Last evaluated: 2025-05-27. Review status: criteria provided, single submitter. Criteria: Ambry Variant Classification Scheme 2023. Collection method: clinical testing. Allele origin: germline.
Comment: The c.8656_8658delGTAinsATT variant (also known as p.V2886I), located in coding exon 58 of the ATM gene, results from an in-frame deletion of GTA and insertion of ATT between nucleotide positions 8656 and 8658. The valine at codon 2886 is replaced by isoleucine, an amino acid with highly similar properties. This amino acid position is highly conserved in available vertebrate species. In addition, this alteration is predicted to be neutral by in silico analysis (Choi Y et al. PLoS ONE. 2012; 7(10):e46688). Since supporting evidence is limited at this time, the clinical significance of this alteration remains unclear.

Color Diagnostics, LLC DBA Color Health
Classification: Uncertain significance for Hereditary cancer-predisposing syndrome. Last evaluated: 2025-04-28. Review status: criteria provided, single submitter. Criteria: ACMG Guidelines, 2015. Collection method: clinical testing. Allele origin: germline.
Comment: This missense variant replaces valine with isoleucine at codon 2886 of the ATM protein. To our knowledge, functional studies have not been reported for this variant. This variant has not been reported in individuals affected with ATM-related disorders in the literature. This variant has not been identified in the general population by the Genome Aggregation Database (gnomAD). The available evidence is insufficient to determine the role of this variant in disease conclusively. Therefore, this variant is classified as a Variant of Uncertain Significance.

GeneDx
Classification: Uncertain significance. Last evaluated: 2019-08-06. Review status: criteria provided, single submitter. Criteria: GeneDx Variant Classification Process June 2021. Collection method: clinical testing. Allele origin: germline. Affected: yes.
Comment: Not observed at a significant frequency in large population cohorts (Lek 2016); In silico analysis, which includes protein predictors and evolutionary conservation, supports that this variant does not alter protein structure/function; Has not been previously published as pathogenic or benign to our knowledge

NM_000051.4(ATM):c.8656_8658delinsATT (p.Val2886Ile)

Genes: ATM (ATM serine/threonine kinase; plus strand), C11orf65 (chromosome 11 open reading frame 65; minus strand). Cytogenetic location: 11q22.3.
Variant type: Indel.
Coding change: c.8656_8658delinsATT on transcript NM_000051.4 (MANE Select); coding-DNA positions 8656 to 8658, GTA replaced by ATT.
Protein change: p.Val2886Ile; replaces valine 2886 with isoleucine.
Molecular consequence: missense variant. On other transcripts: intron variant (2).
Genome position (GRCh38, 1-based): chr11:108,347,350-108,347,352, GTA replaced by ATT. VCF-style: chr11-108347350-GTA-ATT. GRCh37 (hg19) VCF-style: chr11-108218077-GTA-ATT.
Other names: c.8656_8658delinsATT, p.Val2886Ile (NM_001351834.2); c.641-38281_641-38279delinsAAT (NM_001330368.2); c.695-12060_695-12058delinsAAT (NM_001351110.2); short protein forms V2886I.
Identifiers: ClinVar variation 185299 (VCV000185299.12), dbSNP rs786202067, ClinGen allele CA191565.